The following is an entry in ClinVar:

NM_024675.4(PALB2):c.2742C>T (p.Phe914=)

Gene: PALB2 (partner and localizer of BRCA2; minus strand). Cytogenetic location: 16p12.2.
Variant type: single nucleotide variant.
Coding change: c.2742C>T on transcript NM_024675.4 (MANE Select); coding-DNA position 2742, C replaced by T.
Protein change: p.Phe914=; no amino-acid change (phenylalanine 914 retained).
Molecular consequence: synonymous variant.
Genome position (GRCh38, 1-based): chr16:23,626,242, G>A on the plus strand (C>T on the coding strand, the complement: PALB2 is on the minus strand). VCF-style: chr16-23626242-G-A. GRCh37 (hg19) VCF-style: chr16-23637563-G-A.
Other names: p.F914F:TTC>TTT.
Identifiers: ClinVar variation 138575 (VCV000138575.54), dbSNP rs115759702, ClinGen allele CA292649.

ClinVar aggregate classification (germline): Benign/Likely benign. Review status: criteria provided, multiple submitters, no conflicts (2 of 4 stars). 21 submissions from 21 submitters: Benign (11); Likely benign (8). 2 of the submissions do not count toward it. Last evaluated 2026-02-04.

Conditions:
Breast-ovarian cancer, familial, susceptibility to, 5 (BROVCA5). Identifiers: MedGen C5830615, MONDO:0957530, OMIM 620442.
Familial pancreatic carcinoma. Identifiers: Orphanet 1333, MedGen C2931038, MONDO:0015278, OMIM 260350.
Hereditary cancer-predisposing syndrome. Also called: Tumor predisposition; Hereditary neoplastic syndrome; Hereditary Cancer Syndrome; Neoplastic Syndromes, Hereditary. Identifiers: Orphanet 140162, MedGen C0027672, MeSH D009386, MONDO:0015356.
Familial cancer of breast. Also called: Hereditary breast cancer; hereditary breast carcinoma; BREAST CANCER, FAMILIAL. Identifiers: Orphanet 227535, MedGen C0346153, MONDO:0016419, OMIM 114480. Disease mechanism: loss of function.
Fanconi anemia complementation group N. Also called: PALB2-Related Fanconi Anemia. Identifiers: Orphanet 84, MedGen C1835817, MONDO:0012565, OMIM 610832. Disease mechanism: loss of function.

Allele frequency attached by ClinVar (database versions not stated): gnomAD exomes 0.00035; ExAC 0.00044; 1000 Genomes Project 30x 0.00125; gnomAD 0.00127 and 0.00143; 1000 Genomes Project 0.00140; ESP Exome Variant Server 0.00146; TOPMed 0.00149.
gnomAD v4.1: 386 of 1,614,150 alleles (0.024%); highest among the groups gnomAD compares: African/African-American, 0.44%; no homozygotes.

Submissions (21):

Labcorp Genetics (formerly Invitae), Labcorp
Classification: Benign for Familial cancer of breast. Last evaluated: 2026-02-04. Review status: criteria provided, single submitter. Criteria: Invitae Variant Classification Sherloc (09022015). Collection method: clinical testing. Allele origin: germline.

ARUP Laboratories, Molecular Genetics and Genomics, ARUP Laboratories
Classification: Benign. Last evaluated: 2025-05-21. Review status: criteria provided, single submitter. Criteria: ARUP Molecular Germline Variant Investigation Process 2024. Collection method: clinical testing. Allele origin: germline.

Center for Genomic Medicine, Rigshospitalet, Copenhagen University Hospital
Classification: Likely benign. Last evaluated: 2025-03-04. Review status: criteria provided, single submitter. Criteria: ACMG Guidelines, 2015. Collection method: clinical testing. Allele origin: germline.

CeGaT Center for Human Genetics Tuebingen
Classification: Likely benign. Last evaluated: 2025-02-01. Review status: criteria provided, single submitter. Criteria: CeGaT Center For Human Genetics Tuebingen Variant Classification Criteria Version 2. Collection method: clinical testing. Allele origin: germline. Affected: yes. Observed: 2 variant alleles.
Comment: PALB2: BP4, BP7

Myriad Genetics, Inc.
Classification: Benign for Familial cancer of breast. Last evaluated: 2025-01-17. Review status: criteria provided, single submitter. Criteria: Myriad Autosomal Dominant, Autosomal Recessive and X-Linked Classification Criteria (2023). Collection method: clinical testing. Allele origin: unknown.
Comment: This variant is considered benign. This variant is a silent/synonymous amino acid change and it is not expected to impact splicing.

Blueprint Genetics
Classification: Likely benign. Last evaluated: 2024-10-18. Review status: criteria provided, single submitter. Criteria: ACMG Guidelines, 2015. Collection method: clinical testing. Allele origin: germline.

Mayo Clinic Laboratories, Mayo Clinic
Classification: Benign. Last evaluated: 2024-10-02. Review status: criteria provided, single submitter. Criteria: ACMG Guidelines, 2015. Collection method: clinical testing. Allele origin: germline. Observed: 1 variant allele.
Comment: BA1, BP4, BP7

KCCC/NGS Laboratory, Kuwait Cancer Control Center
Classification: Benign for Breast-ovarian cancer, familial, susceptibility to, 5. Last evaluated: 2023-07-07. Review status: criteria provided, single submitter. Criteria: ACMG Guidelines, 2015. Collection method: clinical testing. Allele origin: germline. Affected: yes.

Quest Diagnostics Nichols Institute San Juan Capistrano
Classification: Benign. Last evaluated: 2022-10-03. Review status: criteria provided, single submitter. Criteria: Quest Diagnostics criteria. Collection method: clinical testing. Allele origin: unknown.

Genetic Services Laboratory, University of Chicago
Classification: Benign. Last evaluated: 2021-05-03. Review status: criteria provided, single submitter. Criteria: ACMG Guidelines, 2015. Collection method: clinical testing. Allele origin: germline. Affected: no.

Sema4
Classification: Benign for Hereditary cancer-predisposing syndrome. Last evaluated: 2020-09-29. Review status: criteria provided, single submitter. Criteria: Sema4 Curation Guidelines. Collection method: curation. Allele origin: germline.

Department of Pathology and Laboratory Medicine, Sinai Health System
Classification: Likely benign for Familial pancreatic carcinoma. Last evaluated: 2020-04-02. Review status: criteria provided, single submitter. Criteria: ACMG Guidelines, 2015. Collection method: clinical testing. Allele origin: germline. Affected: yes.

Illumina Laboratory Services, Illumina
Classification: Likely benign for Fanconi anemia complementation group N. Last evaluated: 2018-01-12. Review status: criteria provided, single submitter. Criteria: ICSL Variant Classification Criteria 13 December 2019. Collection method: clinical testing. Allele origin: germline.
Comment: This variant was observed in the ICSL laboratory as part of a predisposition screen in an ostensibly healthy population. It had not been previously curated by ICSL or reported in the Human Gene Mutation Database (HGMD: prior to June 1st, 2018), and was therefore a candidate for classification through an automated scoring system. Utilizing variant allele frequency, disease prevalence and penetrance estimates, and inheritance mode, an automated score was calculated to assess if this variant is too frequent to cause the disease. Based on the score and internal cut-off values, a variant classified as likely benign is not then subjected to further curation. The score for this variant resulted in a classification of likely benign for this disease.

PreventionGenetics, part of Exact Sciences
Classification: Benign. Last evaluated: 2017-08-09. Review status: criteria provided, single submitter. Criteria: ACMG Guidelines, 2015. Collection method: clinical testing. Allele origin: germline.

Institute for Biomarker Research, Medical Diagnostic Laboratories, L.L.C.
Classification: Likely benign for Hereditary cancer-predisposing syndrome. Last evaluated: 2017-07-12. Review status: criteria provided, single submitter. Criteria: ACMG Guidelines, 2015. Collection method: clinical testing. Allele origin: germline.

Color Diagnostics, LLC DBA Color Health
Classification: Benign for Hereditary cancer-predisposing syndrome. Last evaluated: 2015-08-11. Review status: criteria provided, single submitter. Criteria: ACMG Guidelines, 2015. Collection method: clinical testing. Allele origin: germline.

Cancer Genetics Laboratory, Peter MacCallum Cancer Centre
Classification: Likely benign for Familial cancer of breast. Last evaluated: 2015-06-01. Review status: criteria provided, single submitter. Criteria: Thompson et al. (Breast Cancer Res. 2015). Collection method: case-control. Allele origin: germline. Affected: yes. Observed: 2 variant alleles, 2 heterozygotes.

Ambry Genetics
Classification: Likely benign for Hereditary cancer-predisposing syndrome. Last evaluated: 2014-10-30. Review status: criteria provided, single submitter. Criteria: Ambry Variant Classification Scheme 2023. Collection method: clinical testing. Allele origin: germline.

GeneDx
Classification: Benign. Last evaluated: 2014-03-24. Review status: criteria provided, single submitter. Criteria: GeneDx Variant Classification (06012015). Collection method: clinical testing. Allele origin: germline. Affected: yes.
Comment: This variant is considered likely benign or benign based on one or more of the following criteria: it is a conservative change, it occurs at a poorly conserved position in the protein, it is predicted to be benign by multiple in silico algorithms, and/or has population frequency not consistent with disease.

Clinical Genetics DNA and cytogenetics Diagnostics Lab, Erasmus MC, Erasmus Medical Center
Classification: Likely benign. Review status: no assertion criteria provided. Collection method: clinical testing. Allele origin: germline. Affected: yes. Study: VKGL Data-share Consensus. Not counted in ClinVar's aggregate classification.

Clinical Genetics Laboratory, Department of Pathology, Netherlands Cancer Institute
Classification: Likely benign. Review status: no assertion criteria provided. Collection method: clinical testing. Allele origin: germline. Affected: yes. Study: VKGL Data-share Consensus. Not counted in ClinVar's aggregate classification.

Literature cited by the submitters: PubMed 28779002 (cited by Quest Diagnostics Nichols Institute San Juan Capistrano and Department of Pathology and Laboratory Medicine, Sinai Health System); PubMed 26283626 (cited by Quest Diagnostics Nichols Institute San Juan Capistrano and Department of Pathology and Laboratory Medicine, Sinai Health System).